The following is an entry in ClinVar:

ClinVar aggregate classification (germline): Uncertain significance (1 of 4 stars; one submission).

Allele frequency attached by ClinVar (database versions not stated): ExAC 0.01576.

Submissions (2):

GeneDx
Classification: Uncertain significance. Last evaluated: 2013-06-05. Review status: criteria provided, single submitter. Criteria: GeneDx Variant Classification (06012015). Collection method: clinical testing. Allele origin: germline. Affected: yes.
Comment: Missense variants in the TTN gene are considered 'unclassified' if they are not previously reported in the literature and do not have >1% frequency in the population to be considered a polymorphism. Research indicates that truncating mutations in the TTN gene are expected to account for approximately 25% of familial and 18% of sporadic idiopathic DCM; however, truncating variants in the TTN gene have been reported in approximately 3% of reported control alleles. There has been little investigation into non-truncating variants. (Herman D et al. Truncations of titin causing dilated cardiomyopathy. N Eng J Med 366:619-628, 2012) The variant is found in DCM panel(s).

Dr. Peter K. Rogan Lab, Western University
No classification provided (evidence only). Condition: Thyroid cancer, nonmedullary, 1. Review status: no classification provided. Collection method: in vitro. Allele origin: not applicable. Functional consequence: retained intron. Not counted in ClinVar's aggregate classification.

NM_001267550.2(TTN):c.70507T>G (p.Cys23503Gly)

Genes: TTN (titin; minus strand), TTN-AS1 (TTN antisense RNA 1; plus strand), LOC126806422 (BRD4-independent group 4 enhancer GRCh37_chr2:179440205-179441404; plus strand). Cytogenetic location: 2q31.2.
Variant type: single nucleotide variant.
Coding change: c.70507T>G on transcript NM_001267550.2 (MANE Select); coding-DNA position 70507, T replaced by G.
Protein change: p.Cys23503Gly; replaces cysteine 23503 with glycine.
Molecular consequence: missense variant.
Genome position (GRCh38, 1-based): chr2:178,575,625, A>C on the plus strand (T>G on the coding strand, the complement: TTN is on the minus strand). VCF-style: chr2-178575625-A-C. GRCh37 (hg19) VCF-style: chr2-179440352-A-C.
Other names: p.C20935G:TGT>GGT; NC_000002.11:g.179440352A>C; c.65584T>G, p.Cys21862Gly (NM_001256850.1); c.43312T>G, p.Cys14438Gly (NM_003319.4); c.62803T>G, p.Cys20935Gly (NM_133378.4); c.43687T>G, p.Cys14563Gly (NM_133432.3); c.43888T>G, p.Cys14630Gly (NM_133437.4); short protein forms C21862G, C23503G, C14563G, C14630G, C20935G, C14438G.
Identifiers: ClinVar variation 202826 (VCV000202826.3), dbSNP rs778748283, ClinGen allele CA310406.